The following is an entry in ClinVar:

NM_001430.5(EPAS1):c.1666C>G (p.Pro556Ala)

Gene: EPAS1 (endothelial PAS domain protein 1; plus strand). Cytogenetic location: 2p21.
Variant type: single nucleotide variant.
Coding change: c.1666C>G on transcript NM_001430.5 (MANE Select); coding-DNA position 1666, C replaced by G.
Protein change: p.Pro556Ala; replaces proline 556 with alanine.
Molecular consequence: missense variant.
Genome position (GRCh38, 1-based): chr2:46,380,338, C>G. VCF-style: chr2-46380338-C-G. GRCh37 (hg19) VCF-style: chr2-46607477-C-G.
Other names: short protein forms P556A.
Identifiers: ClinVar variation 1049968 (VCV001049968.3), dbSNP rs377300880, ClinGen allele CA46566514.
Genomic context (GRCh38, chr2:46,380,338, plus strand): 5'-GACGGGGAAGACTTCCAGCTAAGCCCCATCTGCCCCGAGGAGCGGCTCTTGGCGGAGAAC[C>G]CACAGTCCACCCCCCAGCACTGCTTCAGTGCCATGACAAACATCTTCCAGCCACTGGCCC-3'
Protein context (NP_001421.2, residues 546-566): CPEERLLAEN[Pro556Ala]QSTPQHCFSA

ClinVar aggregate classification (germline): Uncertain significance. Review status: criteria provided, single submitter (1 of 4 stars). 2 submissions from 2 submitters: Uncertain significance (1). 1 of the submissions does not count toward it. Last evaluated 2022-05-16.

Conditions:
Inborn genetic diseases. Identifiers: MedGen C0950123, MeSH D030342.

Allele frequency attached by ClinVar (database versions not stated): gnomAD exomes below 0.00001; TOPMed below 0.00001; gnomAD 0.00001.
gnomAD v4.1: 2 of 1,614,024 alleles (0.00012%); highest among the groups gnomAD compares: African/African-American, 0.0013%; no homozygotes.

Submissions (2):

Ambry Genetics
Classification: Uncertain significance for Inborn genetic diseases. Last evaluated: 2022-05-16. Review status: criteria provided, single submitter. Criteria: Ambry Variant Classification Scheme 2023. Collection method: clinical testing. Allele origin: germline.
Comment: The p.P556A variant (also known as c.1666C>G), located in coding exon 12 of the EPAS1 gene, results from a C to G substitution at nucleotide position 1666. The proline at codon 556 is replaced by alanine, an amino acid with highly similar properties. This amino acid position is conserved. In addition, this alteration is predicted to be tolerated by in silico analysis. Since supporting evidence is limited at this time, the clinical significance of this alteration remains unclear.

Department of Pathology and Laboratory Medicine, Sinai Health System
Classification: Uncertain significance. Review status: no assertion criteria provided. Collection method: clinical testing. Allele origin: unknown. Affected: yes. Study: The Canadian Open Genetics Repository (COGR). Not counted in ClinVar's aggregate classification.
Comment: The EPAS1 p.Pro556Ala variant was not identified in the literature nor was it identified in ClinVar, Cosmic or LOVD 3.0. The variant was identified in dbSNP (ID: rs377300880) and in control databases in 1 of 251398 chromosomes at a frequency of 0.000004 (Genome Aggregation Database Feb 27, 2017). The variant was observed in the Ashkenazi Jewish population in 1 of 10066 chromosomes (freq: 0.000099), but was not observed in the African, Latino, East Asian, European (Finnish), European (non-Finnish), Other or South Asian populations. The p.Pro556 residue is conserved in mammals but not in more distantly related organisms however four out of five computational analyses (PolyPhen-2, SIFT, AlignGVGD, BLOSUM, MutationTaster) do not suggest a high likelihood of impact to the protein; this information is not predictive enough to rule out pathogenicity. The variant occurs outside of the splicing consensus sequence and in silico or computational prediction software programs (SpliceSiteFinder, MaxEntScan, NNSPLICE, GeneSplicer) do not predict a difference in splicing. In summary, based on the above information the clinical significance of this variant cannot be determined with certainty at this time. This variant is classified as a variant of uncertain significance.